The following is an entry in ClinVar:

ClinVar aggregate classification (germline): Uncertain significance. Review status: criteria provided, multiple submitters, no conflicts (2 of 4 stars). 3 submissions from 3 submitters: Uncertain significance (3). Last evaluated 2025-10-29.

Conditions:
Inborn genetic diseases. Identifiers: MedGen C0950123, MeSH D030342.

gnomAD v4.1: 18 of 1,550,330 alleles (0.0012%); highest among the groups gnomAD compares: East Asian, 0.027%; no homozygotes.

Submissions (3):

Ambry Genetics
Classification: Uncertain significance for Inborn genetic diseases. Last evaluated: 2025-10-29. Review status: criteria provided, single submitter. Criteria: Ambry Variant Classification Scheme 2023. Collection method: clinical testing. Allele origin: germline.

Labcorp Genetics (formerly Invitae), Labcorp
Classification: Uncertain significance. Last evaluated: 2022-10-13. Review status: criteria provided, single submitter. Criteria: Invitae Variant Classification Sherloc (09022015). Collection method: clinical testing. Allele origin: germline.
Comment: This sequence change replaces threonine, which is neutral and polar, with isoleucine, which is neutral and non-polar, at codon 2654 of the MYO15A protein (p.Thr2654Ile). This variant is present in population databases (no rsID available, gnomAD 0.03%). This variant has not been reported in the literature in individuals affected with MYO15A-related conditions. Advanced modeling of protein sequence and biophysical properties (such as structural, functional, and spatial information, amino acid conservation, physicochemical variation, residue mobility, and thermodynamic stability) performed at Invitae indicates that this missense variant is not expected to disrupt MYO15A protein function. In summary, the available evidence is currently insufficient to determine the role of this variant in disease. Therefore, it has been classified as a Variant of Uncertain Significance.

Blueprint Genetics
Classification: Uncertain significance. Last evaluated: 2022-06-07. Review status: criteria provided, single submitter. Criteria: ACMG Guidelines, 2015. Collection method: clinical testing. Allele origin: germline.

NM_016239.4(MYO15A):c.7961C>T (p.Thr2654Ile)

Gene: MYO15A (myosin XVA; plus strand). Cytogenetic location: 17p11.2.
Variant type: single nucleotide variant.
Coding change: c.7961C>T on transcript NM_016239.4 (MANE Select); coding-DNA position 7961, C replaced by T.
Protein change: p.Thr2654Ile; replaces threonine 2654 with isoleucine.
Molecular consequence: missense variant.
Genome position (GRCh38, 1-based): chr17:18,152,179, C>T. VCF-style: chr17-18152179-C-T. GRCh37 (hg19) VCF-style: chr17-18055493-C-T.
Other names: c.7961C>T (NM_016239.3); short protein forms T2654I.
Identifiers: ClinVar variation 2179812 (VCV002179812.4), dbSNP rs200355614, ClinGen allele CA398622387.
Genomic context (GRCh38, chr17:18,152,179, plus strand): 5'-GAGAGGCCGTGGCCCTGGTGAAGCCGGTGACCAGTGCACCAAGGCCATCCATGGCACCCA[C>T]TTCAGGTGAGAGGGCCAGGAGGGAGGGAGGGGAGGGTGTCCAAGTATATGAGGAAGTCTG-3'
Protein context (NP_057323.3, residues 2644-2664): TSAPRPSMAP[Thr2654Ile]SALPSRSLEP